The following is an entry in ClinVar:

NM_002087.4(GRN):c.258C>G (p.Phe86Leu)

Gene: GRN (granulin precursor; plus strand). Cytogenetic location: 17q21.31.
Variant type: single nucleotide variant.
Coding change: c.258C>G on transcript NM_002087.4 (MANE Select); coding-DNA position 258, C replaced by G.
Protein change: p.Phe86Leu; replaces phenylalanine 86 with leucine.
Molecular consequence: missense variant.
Genome position (GRCh38, 1-based): chr17:44,349,545, C>G. VCF-style: chr17-44349545-C-G. GRCh37 (hg19) VCF-style: chr17-42426913-C-G.
Other names: short protein forms F86L.
Identifiers: ClinVar variation 2166026 (VCV002166026.5), dbSNP rs1045464074, ClinGen allele CA399760028.
Genomic context (GRCh38, chr17:44,349,545, plus strand): 5'-CTGCTCTGCCGGCCACTCCTGCATCTTTACCGTCTCAGGGACTTCCAGTTGCTGCCCCTT[C>G]CCAGAGGTGAGCGTGCCATCAGCCCAGTGGAGGGGCTTAGGTCTGCATTTATGCTTTTCC-3'
Protein context (NP_002078.1, residues 76-96): TVSGTSSCCP[Phe86Leu]PEAVACGDGH

ClinVar aggregate classification (germline): Uncertain significance. Review status: criteria provided, multiple submitters, no conflicts (2 of 4 stars). 2 submissions from 2 submitters: Uncertain significance (2). Last evaluated 2022-06-14.

Conditions:
Inborn genetic diseases. Identifiers: MedGen C0950123, MeSH D030342.
Neuronal ceroid lipofuscinosis 11. Also called: GRN-Related Neuronal Ceroid-Lipofuscinosis. Identifiers: Orphanet 314629, Orphanet 79262, MedGen C3539123, MONDO:0013866, OMIM 614706.
GRN-related frontotemporal lobar degeneration with Tdp43 inclusions (FTD2). Also called: DEMENTIA, HEREDITARY DYSPHASIC DISINHIBITION; FRONTOTEMPORAL LOBAR DEGENERATION WITH UBIQUITIN-POSITIVE INCLUSIONS; FTLD-TDP, GRN-RELATED; GRN Frontotemporal Dementia; FRONTOTEMPORAL DEMENTIA WITH TDP43 INCLUSIONS, GRN-RELATED. Identifiers: Orphanet 100070, Orphanet 282, MedGen C1843792, MONDO:0011842, OMIM 607485. Disease mechanism: loss of function.

Submissions (2):

Labcorp Genetics (formerly Invitae), Labcorp
Classification: Uncertain significance for Neuronal ceroid lipofuscinosis 11; GRN-related frontotemporal lobar degeneration with Tdp43 inclusions. Last evaluated: 2022-06-14. Review status: criteria provided, single submitter. Criteria: Invitae Variant Classification Sherloc (09022015). Collection method: clinical testing. Allele origin: germline.
Comment: In summary, the available evidence is currently insufficient to determine the role of this variant in disease. Therefore, it has been classified as a Variant of Uncertain Significance. Algorithms developed to predict the effect of missense changes on protein structure and function output the following: SIFT: "Tolerated"; PolyPhen-2: "Benign"; Align-GVGD: "Class C0". The leucine amino acid residue is found in multiple mammalian species, which suggests that this missense change does not adversely affect protein function. This variant has not been reported in the literature in individuals affected with GRN-related conditions. This variant is not present in population databases (gnomAD no frequency). This sequence change replaces phenylalanine, which is neutral and non-polar, with leucine, which is neutral and non-polar, at codon 86 of the GRN protein (p.Phe86Leu).

Ambry Genetics
Classification: Uncertain significance for Inborn genetic diseases. Last evaluated: 2021-07-14. Review status: criteria provided, single submitter. Criteria: Ambry Variant Classification Scheme 2023. Collection method: clinical testing. Allele origin: germline.